The following is an entry in ClinVar:

NM_001371333.1(DIABLO):c.530A>G (p.Asp177Gly)

Genes: B3GNT4 (UDP-GlcNAc:betaGal beta-1,3-N-acetylglucosaminyltransferase 4; plus strand), DIABLO (diablo IAP-binding mitochondrial protein; minus strand). Cytogenetic location: 12q24.31.
Variant type: single nucleotide variant.
Coding change: c.530A>G on transcript NM_001371333.1 (MANE Select); coding-DNA position 530, A replaced by G.
Protein change: p.Asp177Gly; replaces aspartic acid 177 with glycine.
Molecular consequence: missense variant. On other transcripts: 3 prime UTR variant (2).
Genome position (GRCh38, 1-based): chr12:122,208,571, T>C on the plus strand (A>G on the coding strand, the complement: DIABLO is on the minus strand). VCF-style: chr12-122208571-T-C. GRCh37 (hg19) VCF-style: chr12-122693118-T-C.
Other names: c.239A>G, p.Asp80Gly (NM_001278302.1); c.311A>G, p.Asp104Gly (NM_001278303.1); c.371A>G, p.Asp124Gly (NM_001278304.2, NM_138930.3); c.398A>G, p.Asp133Gly (NM_001278342.1); c.530A>G, p.Asp177Gly (NM_019887.6); c.*1183T>C (NM_001330492.2, NM_030765.4); short protein forms D177G, D104G, D80G, D124G, D133G.
Identifiers: ClinVar variation 3651025 (VCV003651025.2).

ClinVar aggregate classification (germline): Uncertain significance (1 of 4 stars; one submission).

Submission:

Labcorp Genetics (formerly Invitae), Labcorp
Classification: Uncertain significance. Last evaluated: 2024-04-25. Review status: criteria provided, single submitter. Criteria: Invitae Variant Classification Sherloc (09022015). Collection method: clinical testing. Allele origin: germline.
Comment: This sequence change replaces aspartic acid, which is acidic and polar, with glycine, which is neutral and non-polar, at codon 177 of the DIABLO protein (p.Asp177Gly). This variant is not present in population databases (gnomAD no frequency). This variant has not been reported in the literature in individuals affected with DIABLO-related conditions. An algorithm developed to predict the effect of missense changes on protein structure and function (PolyPhen-2) suggests that this variant is likely to be disruptive. In summary, the available evidence is currently insufficient to determine the role of this variant in disease. Therefore, it has been classified as a Variant of Uncertain Significance.